The following is an entry in ClinVar:

NM_000152.5(GAA):c.1944_1950del (p.Phe649fs)

Gene: GAA (alpha glucosidase; plus strand). Cytogenetic location: 17q25.3.
Variant type: Deletion.
Coding change: c.1944_1950del on transcript NM_000152.5 (MANE Select); coding-DNA positions 1944 to 1950, 7 bases deleted (CTTCCTG; older notation c.1944_1950delCTTCCTG).
Protein change: p.Phe649fs; shifts the reading frame from phenylalanine 649.
Molecular consequence: frameshift variant.
Genome position (GRCh38, 1-based): chr17:80,112,931-80,112,937, CTTCCTG deleted; deleting any 7 consecutive bases within chr17:80,112,930-80,112,937 gives the same sequence; the c. name uses the placement nearest the transcript's 3' end. VCF-style (leftmost placement, unchanged base first): chr17-80112929-GGCTTCCT-G. GRCh37 (hg19) VCF-style: chr17-78086728-GGCTTCCT-G.
Other names: c.1944_1950del, p.Phe649fs (NM_001079803.3, NM_001079804.3, NM_001406741.1 and 1 more transcripts); short protein forms F649fs.
Identifiers: ClinVar variation 4876499 (VCV004876499.1).

ClinVar aggregate classification (germline): Likely pathogenic (1 of 4 stars; one submission).

Conditions:
Glycogen storage disease, type II (IOPD). Also called: Pompe Disease; CARDIOMEGALIA GLYCOGENICA DIFFUSA; GLYCOGENOSIS, GENERALIZED, CARDIAC FORM; GSD II; POMPE DISEASE, INFANTILE-ONSET; GLYCOGEN STORAGE DISEASE II, INFANTILE-ONSET. Identifiers: Orphanet 365, MedGen C0017921, MONDO:0009290, OMIM 232300.

Submission:

Genomenon, Inc
Classification: Likely pathogenic for Glycogen storage disease, type II. Last evaluated: 2026-07-01. Review status: criteria provided, single submitter. Criteria: Genomenon Sequence Variant Interpretation Standards - Updated. Collection method: curation. Allele origin: germline. Affected: no.
Comment: GAA p.Phe649AlafsTer45 (c.1944_1950del) is a frameshift variant that is predicted to introduce a premature termination codon and result in a truncated or absent protein product. This variant has been reported in the published literature (PMID:31342611;33560568). It is absent or not present at a significant frequency in gnomAD. In conclusion, we classify GAA p.Phe649AlafsTer45 (c.1944_1950del) as a likely pathogenic variant.

Literature cited by the submitters: PubMed 31342611; PubMed 33560568.